The following is an entry in ClinVar:

ClinVar aggregate classification (germline): Uncertain significance (1 of 4 stars; one submission).

Conditions:
Duchenne muscular dystrophy (DMD). Also called: Duchenne Muscular Dystrophy (DMD); MUSCULAR DYSTROPHY, PSEUDOHYPERTROPHIC PROGRESSIVE, DUCHENNE TYPE. Identifiers: Orphanet 98896, MedGen C0013264, MONDO:0010679, OMIM 310200.

Submission:

Labcorp Genetics (formerly Invitae), Labcorp
Classification: Uncertain significance for Duchenne muscular dystrophy. Last evaluated: 2021-08-15. Review status: criteria provided, single submitter. Criteria: Invitae Variant Classification Sherloc (09022015). Collection method: clinical testing. Allele origin: germline.
Comment: Algorithms developed to predict the effect of missense changes on protein structure and function are either unavailable or do not agree on the potential impact of this missense change (SIFT: "Tolerated"; PolyPhen-2: "Possibly Damaging"; Align-GVGD: "Class C0"). This variant has not been reported in the literature in individuals affected with DMD-related conditions. This variant is not present in population databases (ExAC no frequency). This sequence change replaces glutamic acid with glycine at codon 501 of the DMD protein (p.Glu501Gly). The glutamic acid residue is highly conserved and there is a moderate physicochemical difference between glutamic acid and glycine. In summary, the available evidence is currently insufficient to determine the role of this variant in disease. Therefore, it has been classified as a Variant of Uncertain Significance.

NM_004006.3(DMD):c.1502A>G (p.Glu501Gly)

Gene: DMD (dystrophin; minus strand). Cytogenetic location: Xp21.1.
Variant type: single nucleotide variant.
Coding change: c.1502A>G on transcript NM_004006.3 (MANE Select); coding-DNA position 1502, A replaced by G.
Protein change: p.Glu501Gly; replaces glutamic acid 501 with glycine.
Molecular consequence: missense variant.
Genome position (GRCh38, 1-based): chrX:32,595,857, T>C on the plus strand (A>G on the coding strand, the complement: DMD is on the minus strand). VCF-style: chrX-32595857-T-C. GRCh37 (hg19) VCF-style: chrX-32613974-T-C.
Other names: c.1478A>G, p.Glu493Gly (NM_000109.4); c.1490A>G, p.Glu497Gly (NM_004009.3); c.1133A>G, p.Glu378Gly (NM_004010.3); short protein forms E378G, E493G, E501G, E497G.
Identifiers: ClinVar variation 1479690 (VCV001479690.6), dbSNP rs2149265107, ClinGen allele CA412665733.